The following is an entry in ClinVar:

ClinVar aggregate classification (germline): Uncertain significance. Review status: criteria provided, multiple submitters, no conflicts (2 of 4 stars). 5 submissions from 5 submitters: Uncertain significance (5). Last evaluated 2024-11-22.

Conditions:
Inborn genetic diseases. Identifiers: MedGen C0950123, MeSH D030342.
Microcephaly 5, primary, autosomal recessive (MCPH5). Also called: ASPM Primary Microcephaly. Identifiers: Orphanet 2512, MedGen C1837501, MONDO:0012106, OMIM 608716.

Allele frequency attached by ClinVar (database versions not stated): gnomAD exomes below 0.00001 and 0.00001; gnomAD 0.00001; ExAC 0.00002; TOPMed 0.00002.
gnomAD v4.1: 5 of 1,595,402 alleles (0.00031%); highest among the groups gnomAD compares: African/African-American, 0.0068%; no homozygotes.

Submissions (5):

Labcorp Genetics (formerly Invitae), Labcorp
Classification: Uncertain significance. Last evaluated: 2024-11-22. Review status: criteria provided, single submitter. Criteria: Invitae Variant Classification Sherloc (09022015). Collection method: clinical testing. Allele origin: germline.
Comment: This sequence change replaces valine, which is neutral and non-polar, with leucine, which is neutral and non-polar, at codon 1492 of the ASPM protein (p.Val1492Leu). This variant is present in population databases (rs587783244, gnomAD 0.01%). This missense change has been observed in individual(s) with ASPM-related conditions (PMID: 23611254). ClinVar contains an entry for this variant (Variation ID: 157822). Invitae Evidence Modeling of protein sequence and biophysical properties (such as structural, functional, and spatial information, amino acid conservation, physicochemical variation, residue mobility, and thermodynamic stability) indicates that this missense variant is not expected to disrupt ASPM protein function with a negative predictive value of 80%. In summary, the available evidence is currently insufficient to determine the role of this variant in disease. Therefore, it has been classified as a Variant of Uncertain Significance.

Genome-Nilou Lab
Classification: Uncertain significance for Microcephaly 5, primary, autosomal recessive. Last evaluated: 2023-04-11. Review status: criteria provided, single submitter. Criteria: ACMG Guidelines, 2015. Collection method: clinical testing. Allele origin: germline. Affected: no.

GeneDx
Classification: Uncertain significance. Last evaluated: 2022-01-17. Review status: criteria provided, single submitter. Criteria: GeneDx Variant Classification Process June 2021. Collection method: clinical testing. Allele origin: germline. Affected: yes.
Comment: Not observed at significant frequency in large population cohorts (gnomAD); In silico analysis supports that this missense variant does not alter protein structure/function; Has not been previously published as pathogenic or benign to our knowledge

Ambry Genetics
Classification: Uncertain significance for Inborn genetic diseases. Last evaluated: 2021-06-25. Review status: criteria provided, single submitter. Criteria: Ambry Variant Classification Scheme 2023. Collection method: clinical testing. Allele origin: germline.
Comment: Tan, 2014 Based on insufficient or conflicting evidence, the clinical significance of this alteration remains unclear.

Genetic Services Laboratory, University of Chicago
Classification: Uncertain significance for Microcephaly 5, primary, autosomal recessive. Last evaluated: 2013-02-08. Review status: criteria provided, single submitter. Criteria: ACMG Guidelines, 2007. Collection method: clinical testing. Allele origin: germline. Inheritance: Autosomal recessive inheritance.

Literature cited by the submitters: PubMed 23611254 (cited by Labcorp Genetics (formerly Invitae), Labcorp and Ambry Genetics).

NM_018136.5(ASPM):c.4474G>C (p.Val1492Leu)

Gene: ASPM (assembly factor for spindle microtubules; minus strand). Cytogenetic location: 1q31.3.
Variant type: single nucleotide variant.
Coding change: c.4474G>C on transcript NM_018136.5 (MANE Select); coding-DNA position 4474, G replaced by C.
Protein change: p.Val1492Leu; replaces valine 1492 with leucine.
Molecular consequence: missense variant. On other transcripts: intron variant (1).
Genome position (GRCh38, 1-based): chr1:197,104,777, C>G on the plus strand (G>C on the coding strand, the complement: ASPM is on the minus strand). VCF-style: chr1-197104777-C-G. GRCh37 (hg19) VCF-style: chr1-197073907-C-G.
Other names: c.4066-8613G>C (NM_001206846.2); short protein forms V1492L.
Identifiers: ClinVar variation 157822 (VCV000157822.12), dbSNP rs587783244, ClinGen allele CA271044.